The following is an entry in ClinVar:

ClinVar aggregate classification (germline): Uncertain significance (1 of 4 stars; one submission).

Conditions:
Inborn genetic diseases. Identifiers: MedGen C0950123, MeSH D030342.

Submission:

Ambry Genetics
Classification: Uncertain significance for Inborn genetic diseases. Last evaluated: 2026-06-30. Review status: criteria provided, single submitter. Criteria: Ambry Variant Classification Scheme 2023. Collection method: clinical testing. Allele origin: germline.
Comment: The p.S590Y variant (also known as c.1769C>A), located in coding exon 10 of the FANCM gene, results from a C to A substitution at nucleotide position 1769. The serine at codon 590 is replaced by tyrosine, an amino acid with dissimilar properties. This amino acid position is conserved. In addition, this alteration is predicted to be tolerated by in silico analysis. Based on the available evidence, the clinical significance of this variant remains unclear.

NM_020937.4(FANCM):c.1769C>A (p.Ser590Tyr)

Gene: FANCM (FA complementation group M; plus strand). Cytogenetic location: 14q21.2.
Variant type: single nucleotide variant.
Coding change: c.1769C>A on transcript NM_020937.4 (MANE Select); coding-DNA position 1769, C replaced by A.
Protein change: p.Ser590Tyr; replaces serine 590 with tyrosine.
Molecular consequence: missense variant.
Genome position (GRCh38, 1-based): chr14:45,164,546, C>A. VCF-style: chr14-45164546-C-A. GRCh37 (hg19) VCF-style: chr14-45633749-C-A.
Other names: c.1691C>A, p.Ser564Tyr (NM_001308133.2); c.1769C>A, p.Ser590Tyr (NM_001308134.2); short protein forms S590Y, S564Y.
Identifiers: ClinVar variation 5036595 (VCV005036595.1).